The following is an entry in ClinVar:

ClinVar aggregate classification (germline): Benign/Likely benign. Review status: criteria provided, multiple submitters, no conflicts (2 of 4 stars). 7 submissions from 7 submitters: Benign (4); Likely benign (1). 2 of the submissions do not count toward it. Last evaluated 2026-03-01.

Allele frequency attached by ClinVar (database versions not stated): 1000 Genomes Project 30x 0.00468; 1000 Genomes Project 0.00559; TOPMed 0.00635; gnomAD 0.00674 and 0.00699; ESP Exome Variant Server 0.00677; gnomAD exomes 0.00896 and 0.01077; ExAC 0.00912.

Submissions (7):

CeGaT Center for Human Genetics Tuebingen
Classification: Benign. Last evaluated: 2026-03-01. Review status: criteria provided, single submitter. Criteria: CeGaT Center For Human Genetics Tuebingen Variant Classification Criteria Version 2. Collection method: clinical testing. Allele origin: germline. Affected: yes. Observed: 4 variant alleles.
Comment: DNAJC13: BP4, BS1, BS2

Genomic Medicine Center of Excellence, King Faisal Specialist Hospital and Research Centre
Classification: Likely benign. Last evaluated: 2025-08-18. Review status: criteria provided, single submitter. Criteria: ACMG Guidelines, 2015. Collection method: clinical testing. Allele origin: germline.

Mayo Clinic Laboratories, Mayo Clinic
Classification: Benign. Last evaluated: 2023-04-11. Review status: criteria provided, single submitter. Criteria: ACMG Guidelines, 2015. Collection method: clinical testing. Allele origin: germline. Observed: 10 variant alleles.
Comment: BS1, BS2, BP4

Labcorp Genetics (formerly Invitae), Labcorp
Classification: Benign. Last evaluated: 2019-12-31. Review status: criteria provided, single submitter. Criteria: Invitae Variant Classification Sherloc (09022015). Collection method: clinical testing. Allele origin: germline.

Breakthrough Genomics
Classification: Benign. Review status: criteria provided, single submitter. Criteria: ACMG Guidelines, 2015. Collection method: not provided. Allele origin: germline. Inheritance: Unknown mechanism. Affected: yes.

Clinical Genetics DNA and cytogenetics Diagnostics Lab, Erasmus MC, Erasmus Medical Center
Classification: Benign. Review status: no assertion criteria provided. Collection method: clinical testing. Allele origin: germline. Affected: yes. Study: VKGL Data-share Consensus. Not counted in ClinVar's aggregate classification.

Genome Diagnostics Laboratory, Amsterdam University Medical Center
Classification: Likely benign. Review status: no assertion criteria provided. Collection method: clinical testing. Allele origin: germline. Affected: yes. Study: VKGL Data-share Consensus. Not counted in ClinVar's aggregate classification.

Literature cited by the submitters: PubMed 29887357 (cited by Mayo Clinic Laboratories, Mayo Clinic).

NM_015268.4(DNAJC13):c.4385G>A (p.Arg1462His)

Gene: DNAJC13 (DnaJ heat shock protein family (Hsp40) member C13; plus strand). Cytogenetic location: 3q22.1.
Variant type: single nucleotide variant.
Coding change: c.4385G>A on transcript NM_015268.4 (MANE Select); coding-DNA position 4385, G replaced by A.
Protein change: p.Arg1462His; replaces arginine 1462 with histidine.
Molecular consequence: missense variant.
Genome position (GRCh38, 1-based): chr3:132,499,777, G>A. VCF-style: chr3-132499777-G-A. GRCh37 (hg19) VCF-style: chr3-132218621-G-A.
Other names: p.Arg1462His; c.4400G>A, p.Arg1467His (NM_001329126.2); short protein forms R1462H, R1467H.
Identifiers: ClinVar variation 779231 (VCV000779231.16), dbSNP rs61748103, ClinGen allele CA2619536.